The following is an entry in ClinVar:

NM_001220.5(CAMK2B):c.1862G>A (p.Arg621Gln)

Gene: CAMK2B (calcium/calmodulin dependent protein kinase II beta; minus strand). Cytogenetic location: 7p13.
Variant type: single nucleotide variant.
Coding change: c.1862G>A on transcript NM_001220.5 (MANE Select); coding-DNA position 1862, G replaced by A.
Protein change: p.Arg621Gln; replaces arginine 621 with glutamine.
Molecular consequence: missense variant.
Genome position (GRCh38, 1-based): chr7:44,220,201, C>T on the plus strand (G>A on the coding strand, the complement: CAMK2B is on the minus strand). VCF-style: chr7-44220201-C-T. GRCh37 (hg19) VCF-style: chr7-44259800-C-T.
Other names: c.1490G>A, p.Arg497Gln (NM_001293170.2, NM_172078.3); c.1418G>A, p.Arg473Gln (NM_172079.3); c.1415G>A, p.Arg472Gln (NM_172080.3); c.1373G>A, p.Arg458Gln (NM_172081.3); c.1340G>A, p.Arg447Gln (NM_172082.3); c.1301G>A, p.Arg434Gln (NM_172083.3); c.1211G>A, p.Arg404Gln (NM_172084.3); short protein forms R404Q, R434Q, R447Q, R458Q, R472Q, R473Q, R497Q, R621Q.
Identifiers: ClinVar variation 3365868 (VCV003365868.1).

ClinVar aggregate classification (germline): Uncertain significance (1 of 4 stars; one submission).

Submission:

GeneDx
Classification: Uncertain significance. Last evaluated: 2023-12-15. Review status: criteria provided, single submitter. Criteria: GeneDx Variant Classification Process June 2021. Collection method: clinical testing. Allele origin: germline. Affected: yes.
Comment: Not observed at significant frequency in large population cohorts (gnomAD); In silico analysis supports that this missense variant has a deleterious effect on protein structure/function; Has not been previously published as pathogenic or benign to our knowledge